The following is an entry in ClinVar:

NM_000021.4(PSEN1):c.854C>T (p.Ala285Val)

Gene: PSEN1 (presenilin 1; plus strand). Cytogenetic location: 14q24.2.
Variant type: single nucleotide variant.
Coding change: c.854C>T on transcript NM_000021.4 (MANE Select); coding-DNA position 854, C replaced by T.
Protein change: p.Ala285Val; replaces alanine 285 with valine.
Molecular consequence: missense variant.
Genome position (GRCh38, 1-based): chr14:73,198,115, C>T. VCF-style: chr14-73198115-C-T. GRCh37 (hg19) VCF-style: chr14-73664823-C-T.
Other names: c.842C>T, p.Ala281Val (NM_007318.3); short protein forms A285V, A281V.
Identifiers: ClinVar variation 98091 (VCV000098091.4), dbSNP rs63751139, ClinGen allele CA225140.

ClinVar aggregate classification (germline): Pathogenic. Review status: criteria provided, multiple submitters, no conflicts (2 of 4 stars). 3 submissions from 3 submitters: Pathogenic (2). 1 of the submissions does not count toward it. Last evaluated 2024-04-24.

Conditions:
Alzheimer disease 3 (AD3). Also called: ALZHEIMER DISEASE, FAMILIAL, 3. Identifiers: Orphanet 1020, MedGen C1843013, MONDO:0011913, OMIM 607822.
Acne inversa, familial, 3 (ACNINV3). Identifiers: MedGen C3151038, MONDO:0013398, OMIM 613737.
Frontotemporal dementia (FTD1). Also called: Frontotemporal Dementia with Parkinsonism-17 (FTDP-17); FRONTOTEMPORAL DEMENTIA WITH PARKINSONISM; FRONTOTEMPORAL LOBE DEMENTIA; MULTIPLE SYSTEM TAUOPATHY WITH PRESENILE DEMENTIA; Dementia, frontotemporal, with or without parkinsonism; WILHELMSEN-LYNCH DISEASE. Identifiers: Orphanet 282, MedGen C0338451, MONDO:0017276, OMIM 600274, HP:0002145.
Pick disease. Also called: PICK DISEASE OF BRAIN; DEMENTIA WITH LOBAR ATROPHY AND NEURONAL CYTOPLASMIC INCLUSIONS; LOBAR ATROPHY OF BRAIN; Pick's disease; Pick Disease of the Brain. Identifiers: Orphanet 282, MedGen C0236642, MONDO:0008243, OMIM 172700.
Early-onset autosomal dominant Alzheimer disease. Also called: Early-Onset Familial Alzheimer Disease. Identifiers: Orphanet 1020, MedGen CN043596, MONDO:0015140.

Submissions (3):

Labcorp Genetics (formerly Invitae), Labcorp
Classification: Pathogenic for Alzheimer disease 3; Pick disease; Acne inversa, familial, 3; Frontotemporal dementia. Last evaluated: 2024-04-24. Review status: criteria provided, single submitter. Criteria: Invitae Variant Classification Sherloc (09022015). Collection method: clinical testing. Allele origin: germline.
Comment: This sequence change replaces alanine, which is neutral and non-polar, with valine, which is neutral and non-polar, at codon 285 of the PSEN1 protein (p.Ala285Val). This variant is not present in population databases (gnomAD no frequency). This missense change has been observed in individuals with Alzheimer disease (PMID: 7651536, 9007097, 30528841, 32589559, 34389718). ClinVar contains an entry for this variant (Variation ID: 98091). Advanced modeling of protein sequence and biophysical properties (such as structural, functional, and spatial information, amino acid conservation, physicochemical variation, residue mobility, and thermodynamic stability) performed at Invitae indicates that this missense variant is expected to disrupt PSEN1 protein function with a positive predictive value of 80%. Experimental studies have shown that this missense change affects PSEN1 function (PMID: 17962197). For these reasons, this variant has been classified as Pathogenic.

Institute of Medical Genetics and Applied Genomics, University Hospital Tübingen
Classification: Pathogenic for Early-onset autosomal dominant Alzheimer disease. Last evaluated: 2022-01-12. Review status: criteria provided, single submitter. Criteria: ACMG Guidelines, 2015. Collection method: clinical testing. Allele origin: germline. Inheritance: Autosomal dominant inheritance. Affected: yes.
Comment: gnomAD and other open variant DBs: absent; pathogenic by different prediction tools (SIFT, PolyPhen, CADD); HGMD: DM; a minimum of 4 single descriptions with EOAD (AD3) with AaO of about 50 years - PMID:7651536, 9007097, 9109915, 32589559; located within cytoplasmatic loop between transmembran region TM6 and TM7 - PMID:26756738

VIB  Department of Molecular Genetics, University of Antwerp
No classification provided. Review status: no classification provided. Collection method: not provided. Allele origin: not provided. Not counted in ClinVar's aggregate classification.

Literature cited by the submitters: PubMed 7651536 (cited by Labcorp Genetics (formerly Invitae), Labcorp); PubMed 9007097 (cited by Labcorp Genetics (formerly Invitae), Labcorp); PubMed 30528841 (cited by Labcorp Genetics (formerly Invitae), Labcorp); PubMed 32589559 (cited by Labcorp Genetics (formerly Invitae), Labcorp); PubMed 34389718 (cited by Labcorp Genetics (formerly Invitae), Labcorp); PubMed 17962197 (cited by Labcorp Genetics (formerly Invitae), Labcorp).